The following is an entry in ClinVar:

NM_007194.4(CHEK2):c.1260-1G>T

Gene: CHEK2 (checkpoint kinase 2; minus strand). Cytogenetic location: 22q12.1.
Variant type: single nucleotide variant.
Coding change: c.1260-1G>T on transcript NM_007194.4 (MANE Select); the canonical splice acceptor site of the intron before coding-DNA position 1260, G replaced by T.
Molecular consequence: splice acceptor variant.
Genome position (GRCh38, 1-based): chr22:28,695,243, C>A on the plus strand (G>T on the coding strand, the complement: CHEK2 is on the minus strand). VCF-style: chr22-28695243-C-A. GRCh37 (hg19) VCF-style: chr22-29091231-C-A.
Other names: c.597-1G>T (NM_001437942.1, NM_001257387.3); c.1059-1G>T (NM_001349956.3); c.1173-1G>T (NM_145862.3); c.1266-1G>T (NM_001438295.1); c.1353-1G>T (NM_001438293.1); c.1302-1G>T (NM_001438294.1); c.1389-1G>T (NM_001005735.3).
Identifiers: ClinVar variation 840804 (VCV000840804.9), dbSNP rs786201906, ClinGen allele CA411096370.
Genomic context (GRCh38, chr22:28,695,243, plus strand): 5'-ATCTGATCCTTCAGTGACACTTGAGTCCTATGCTCAGAGAAAGGTGGATACCCACTAAGG[C>A]TTAATATTGGTAGAGAGAGAAAGGAAAAGAAATCAAGTGGCATTCTCAGTGGCATTCAGA-3'

ClinVar aggregate classification (germline): Uncertain significance (1 of 4 stars; one submission).

Conditions:
Familial cancer of breast. Also called: Hereditary breast cancer; hereditary breast carcinoma; BREAST CANCER, FAMILIAL. Identifiers: Orphanet 227535, MedGen C0346153, MONDO:0016419, OMIM 114480. Disease mechanism: loss of function.

Submission:

Labcorp Genetics (formerly Invitae), Labcorp
Classification: Uncertain significance for Familial cancer of breast. Last evaluated: 2022-08-30. Review status: criteria provided, single submitter. Criteria: Invitae Variant Classification Sherloc (09022015). Collection method: clinical testing. Allele origin: germline.
Comment: In summary, the available evidence is currently insufficient to determine the role of this variant in disease. Therefore, it has been classified as a Variant of Uncertain Significance. Studies have shown that disruption of this splice site results in the activation of a cryptic splice site in exon 12 (Invitae). ClinVar contains an entry for this variant (Variation ID: 840804). This variant has not been reported in the literature in individuals affected with CHEK2-related conditions. This variant is not present in population databases (gnomAD no frequency). This sequence change affects an acceptor splice site in intron 11 of the CHEK2 gene. RNA analysis indicates that disruption of this splice site induces altered splicing and likely results in the loss of 2 amino acid residue(s), but is expected to preserve the integrity of the reading-frame.